The following is an entry in ClinVar:

ClinVar aggregate classification (germline): Uncertain significance (1 of 4 stars; one submission).

gnomAD v4.1: 1 of 1,613,998 alleles (0.000062%); highest among the groups gnomAD compares: Non-Finnish European, 0.000085%; no homozygotes.

Submission:

Ambry Genetics
Classification: Uncertain significance. Last evaluated: 2024-11-06. Review status: criteria provided, single submitter. Criteria: Ambry Variant Classification Scheme 2023. Collection method: clinical testing. Allele origin: germline.
Comment: The p.I709M variant (also known as c.2127A>G), located in coding exon 1 of the MLH3 gene, results from an A to G substitution at nucleotide position 2127. The isoleucine at codon 709 is replaced by methionine, an amino acid with highly similar properties. This amino acid position is conserved. In addition, this alteration is predicted to be tolerated by in silico analysis. Based on the available evidence, the clinical significance of this variant remains unclear.

NM_001040108.2(MLH3):c.2127A>G (p.Ile709Met)

Gene: MLH3 (mutL homolog 3; minus strand). Cytogenetic location: 14q24.3.
Variant type: single nucleotide variant.
Coding change: c.2127A>G on transcript NM_001040108.2 (MANE Select); coding-DNA position 2127, A replaced by G.
Protein change: p.Ile709Met; replaces isoleucine 709 with methionine.
Molecular consequence: missense variant.
Genome position (GRCh38, 1-based): chr14:75,047,529, T>C on the plus strand (A>G on the coding strand, the complement: MLH3 is on the minus strand). VCF-style: chr14-75047529-T-C. GRCh37 (hg19) VCF-style: chr14-75514232-T-C.
Other names: c.2127A>G, p.Ile709Met (NM_014381.3); short protein forms I709M.
Identifiers: ClinVar variation 3396623 (VCV003396623.1).